The following is an entry in ClinVar:

ClinVar aggregate classification (germline): Benign/Likely benign. Review status: criteria provided, multiple submitters, no conflicts (2 of 4 stars). 7 submissions from 7 submitters: Benign (2); Likely benign (2). 3 of the submissions do not count toward it. Last evaluated 2026-09-01.

Conditions:
REST-related disorder. Also called: REST-related condition.

Allele frequency attached by ClinVar (database versions not stated): 1000 Genomes Project 30x 0.00187; 1000 Genomes Project 0.00200; TOPMed 0.00212; gnomAD exomes 0.00217 and 0.00328; gnomAD 0.00229 and 0.00236; ExAC 0.00239; ESP Exome Variant Server 0.00261.
gnomAD v4.1: 5,114 of 1,614,136 alleles (0.32%); highest among the groups gnomAD compares: Non-Finnish European, 0.39%; 11 homozygotes.

Submissions (7):

CeGaT Center for Human Genetics Tuebingen
Classification: Likely benign. Last evaluated: 2026-09-01. Review status: criteria provided, single submitter. Criteria: CeGaT Center For Human Genetics Tuebingen Variant Classification Criteria Version 2. Collection method: clinical testing. Allele origin: germline. Affected: yes. Observed: 16 variant alleles.
Comment: REST: BS1

Labcorp Genetics (formerly Invitae), Labcorp
Classification: Benign. Last evaluated: 2026-02-03. Review status: criteria provided, single submitter. Criteria: Invitae Variant Classification Sherloc (09022015). Collection method: clinical testing. Allele origin: germline.

Blueprint Genetics
Classification: Likely benign. Last evaluated: 2024-11-08. Review status: criteria provided, single submitter. Criteria: ACMG Guidelines, 2015. Collection method: clinical testing. Allele origin: germline.

Breakthrough Genomics
Classification: Benign. Review status: criteria provided, single submitter. Criteria: ACMG Guidelines, 2015. Collection method: not provided. Allele origin: germline. Inheritance: Autosomal dominant inheritance. Affected: yes.

PreventionGenetics, part of Exact Sciences
Classification: Likely benign for REST-related condition. Last evaluated: 2020-01-07. Review status: no assertion criteria provided. Collection method: clinical testing. Allele origin: germline. Not counted in ClinVar's aggregate classification.
Comment: This variant is classified as likely benign based on ACMG/AMP sequence variant interpretation guidelines (Richards et al. 2015 PMID: 25741868, with internal and published modifications).

Clinical Genetics DNA and cytogenetics Diagnostics Lab, Erasmus MC, Erasmus Medical Center
Classification: Likely benign. Review status: no assertion criteria provided. Collection method: clinical testing. Allele origin: germline. Affected: yes. Study: VKGL Data-share Consensus. Not counted in ClinVar's aggregate classification.

Genome Diagnostics Laboratory, Amsterdam University Medical Center
Classification: Likely benign. Review status: no assertion criteria provided. Collection method: clinical testing. Allele origin: germline. Affected: yes. Study: VKGL Data-share Consensus. Not counted in ClinVar's aggregate classification.

NM_005612.5(REST):c.274G>A (p.Gly92Arg)

Gene: REST (RE1 silencing transcription factor; plus strand). Cytogenetic location: 4q12.
Variant type: single nucleotide variant.
Coding change: c.274G>A on transcript NM_005612.5 (MANE Select); coding-DNA position 274, G replaced by A.
Protein change: p.Gly92Arg; replaces glycine 92 with arginine.
Molecular consequence: missense variant.
Genome position (GRCh38, 1-based): chr4:56,910,912, G>A. VCF-style: chr4-56910912-G-A. GRCh37 (hg19) VCF-style: chr4-57777078-G-A.
Other names: c.274G>A, p.Gly92Arg (NM_001193508.2, NM_001363453.3); short protein forms G92R.
Identifiers: ClinVar variation 714280 (VCV000714280.39), dbSNP rs61748753, ClinGen allele CA2932067.